The following is an entry in ClinVar:

NM_015627.3(LDLRAP1):c.463C>G (p.Gln155Glu)

Gene: LDLRAP1 (low density lipoprotein receptor adaptor protein 1; plus strand). Cytogenetic location: 1p36.11.
Variant type: single nucleotide variant.
Coding change: c.463C>G on transcript NM_015627.3 (MANE Select); coding-DNA position 463, C replaced by G.
Protein change: p.Gln155Glu; replaces glutamine 155 with glutamic acid.
Molecular consequence: missense variant.
Genome position (GRCh38, 1-based): chr1:25,562,647, C>G. VCF-style: chr1-25562647-C-G. GRCh37 (hg19) VCF-style: chr1-25889138-C-G.
Other names: short protein forms Q155E.
Identifiers: ClinVar variation 1742084 (VCV001742084.2), dbSNP rs764547660, ClinGen allele CA695580.
Genomic context (GRCh38, chr1:25,562,647, plus strand): 5'-ACTTGCTCTGCCCTGGCTGACACTGCACCCCTCCCCATCCCCACTTCCTGTTTTCAGGCA[C>G]AGGCTGTTACCCTCACCGTAGCCCAGGCCTTCAAAGTCGCCTTTGAGTTTTGGCAGGTGT-3'
Protein context (NP_056442.2, residues 145-165): AFLCTKRKMA[Gln155Glu]AVTLTVAQAF

ClinVar aggregate classification (germline): Uncertain significance (1 of 4 stars; one submission).

Conditions:
Cardiovascular phenotype. Identifiers: MedGen CN230736.

Allele frequency attached by ClinVar (database versions not stated): gnomAD exomes below 0.00001; TOPMed below 0.00001; ExAC 0.00001.
gnomAD v4.1: 1 of 1,614,132 alleles (0.000062%); highest among the groups gnomAD compares: Non-Finnish European, 0.000085%; no homozygotes.

Submission:

Ambry Genetics
Classification: Uncertain significance for Cardiovascular phenotype. Last evaluated: 2022-05-30. Review status: criteria provided, single submitter. Criteria: Ambry Variant Classification Scheme 2023. Collection method: clinical testing. Allele origin: germline.
Comment: The p.Q155E variant (also known as c.463C>G), located in coding exon 5 of the LDLRAP1 gene, results from a C to G substitution at nucleotide position 463. The glutamine at codon 155 is replaced by glutamic acid, an amino acid with highly similar properties. This amino acid position is conserved. In addition, this alteration is predicted to be tolerated by in silico analysis. Since supporting evidence is limited at this time, the clinical significance of this alteration remains unclear.